The following is an entry in ClinVar:

NM_000811.3(GABRA6):c.9G>A (p.Ser3=)

Gene: GABRA6 (gamma-aminobutyric acid type A receptor subunit alpha6; plus strand). Cytogenetic location: 5q34.
Variant type: single nucleotide variant.
Coding change: c.9G>A on transcript NM_000811.3 (MANE Select); coding-DNA position 9, G replaced by A.
Protein change: p.Ser3=; no amino-acid change (serine 3 retained).
Molecular consequence: synonymous variant.
Genome position (GRCh38, 1-based): chr5:161,685,998, G>A. VCF-style: chr5-161685998-G-A. GRCh37 (hg19) VCF-style: chr5-161113004-G-A.
Other names: c.9G>A (NM_000811.2).
Identifiers: ClinVar variation 1169909 (VCV001169909.11), dbSNP rs13188991, ClinGen allele CA3543724.

ClinVar aggregate classification (germline): Benign. Review status: criteria provided, single submitter (1 of 4 stars). 2 submissions from 2 submitters: Benign (1). 1 of the submissions does not count toward it. Last evaluated 2025-01-06.

Conditions:
Childhood absence epilepsy. Identifiers: Orphanet 64280, MedGen C4281785, MONDO:0010826.
GABRA6-related disorder. Also called: GABRA6-related condition.

Allele frequency attached by ClinVar (database versions not stated): 1000 Genomes Project 0.09924; 1000 Genomes Project 30x 0.09994; TOPMed 0.16345; gnomAD 0.17718 and 0.18038; ESP Exome Variant Server 0.18768; gnomAD exomes 0.19038.

Submissions (2):

Labcorp Genetics (formerly Invitae), Labcorp
Classification: Benign for Childhood absence epilepsy. Last evaluated: 2025-01-06. Review status: criteria provided, single submitter. Criteria: Invitae Variant Classification Sherloc (09022015). Collection method: clinical testing. Allele origin: germline.

PreventionGenetics, part of Exact Sciences
Classification: Benign for GABRA6-related condition. Last evaluated: 2019-10-21. Review status: no assertion criteria provided. Collection method: clinical testing. Allele origin: germline. Not counted in ClinVar's aggregate classification.
Comment: This variant is classified as benign based on ACMG/AMP sequence variant interpretation guidelines (Richards et al. 2015 PMID: 25741868, with internal and published modifications).